The following is an entry in ClinVar:

ClinVar aggregate classification (germline): Uncertain significance (1 of 4 stars; one submission).

Conditions:
Brown-Vialetto-van Laere syndrome 2. Also called: Riboflavin transporter deficiency type 2; SPINOCEREBELLAR ATAXIA WITH BLINDNESS AND DEAFNESS 2. Identifiers: Orphanet 572543, Orphanet 97229, MedGen C3553538, MONDO:0013867, OMIM 614707.

Allele frequency attached by ClinVar (database versions not stated): gnomAD exomes below 0.00001; ExAC 0.00001.

Submission:

Labcorp Genetics (formerly Invitae), Labcorp
Classification: Uncertain significance for Brown-Vialetto-van Laere syndrome 2. Last evaluated: 2020-08-06. Review status: criteria provided, single submitter. Criteria: Invitae Variant Classification Sherloc (09022015). Collection method: clinical testing. Allele origin: germline.
Comment: In summary, the available evidence is currently insufficient to determine the role of this variant in disease. Therefore, it has been classified as a Variant of Uncertain Significance. Advanced modeling of protein sequence and biophysical properties (such as structural, functional, and spatial information, amino acid conservation, physicochemical variation, residue mobility, and thermodynamic stability) performed at Invitae indicates that this missense variant is expected to disrupt SLC52A2 protein function. This variant has not been reported in the literature in individuals with SLC52A2-related conditions. This variant is present in population databases (rs782668296, ExAC 0.002%). This sequence change replaces proline with serine at codon 140 of the SLC52A2 protein (p.Pro140Ser). The proline residue is highly conserved and there is a moderate physicochemical difference between proline and serine.

NM_001363118.2(SLC52A2):c.418C>T (p.Pro140Ser)

Gene: SLC52A2 (solute carrier family 52 member 2; plus strand). Cytogenetic location: 8q24.3.
Variant type: single nucleotide variant.
Coding change: c.418C>T on transcript NM_001363118.2 (MANE Select); coding-DNA position 418, C replaced by T.
Protein change: p.Pro140Ser; replaces proline 140 with serine.
Molecular consequence: missense variant. On other transcripts: non-coding transcript variant (1), intron variant (1).
Genome position (GRCh38, 1-based): chr8:144,359,910, C>T. VCF-style: chr8-144359910-C-T. GRCh37 (hg19) VCF-style: chr8-145583570-C-T.
Other names: c.418C>T, p.Pro140Ser (NM_001253815.2, NM_001253816.2, NM_001363120.2 and 2 more transcripts); c.131-205C>T (NM_001363122.2); short protein forms P140S.
Identifiers: ClinVar variation 1038156 (VCV001038156.5), dbSNP rs782668296, ClinGen allele CA4938186.
Genomic context (GRCh38, chr8:144,359,910, plus strand): 5'-GTGCTGGCACTGGCATGCTGTGCCTCGAATGTCACTTTCCTGCCCTTCTTGAGCCACCTG[C>T]CACCTCGCTTCTTACGGTCATTCTTCCTGGGTCAAGGCCTGAGTGCCCTGCTGCCCTGCG-3'
Protein context (NP_001350047.1, residues 130-150): VTFLPFLSHL[Pro140Ser]PRFLRSFFLG